The following is an entry in ClinVar:

ClinVar aggregate classification (germline): Uncertain significance (1 of 4 stars; one submission).

Allele frequency attached by ClinVar (database versions not stated): ExAC 0.00001.
gnomAD v4.1: 7 of 1,614,008 alleles (0.00043%); highest among the groups gnomAD compares: Non-Finnish European, 0.00059%; no homozygotes.

Submission:

Labcorp Genetics (formerly Invitae), Labcorp
Classification: Uncertain significance. Last evaluated: 2022-04-25. Review status: criteria provided, single submitter. Criteria: Invitae Variant Classification Sherloc (09022015). Collection method: clinical testing. Allele origin: germline.
Comment: This sequence change replaces glycine, which is neutral and non-polar, with glutamic acid, which is acidic and polar, at codon 446 of the APCDD1 protein (p.Gly446Glu). This variant is present in population databases (rs749401498, gnomAD 0.002%). This variant has not been reported in the literature in individuals affected with APCDD1-related conditions. Algorithms developed to predict the effect of missense changes on protein structure and function (SIFT, PolyPhen-2, Align-GVGD) all suggest that this variant is likely to be disruptive. In summary, the available evidence is currently insufficient to determine the role of this variant in disease. Therefore, it has been classified as a Variant of Uncertain Significance.

NM_153000.5(APCDD1):c.1337G>A (p.Gly446Glu)

Gene: APCDD1 (APC down-regulated 1; plus strand). Cytogenetic location: 18p11.22.
Variant type: single nucleotide variant.
Coding change: c.1337G>A on transcript NM_153000.5 (MANE Select); coding-DNA position 1337, G replaced by A.
Protein change: p.Gly446Glu; replaces glycine 446 with glutamic acid.
Molecular consequence: missense variant.
Genome position (GRCh38, 1-based): chr18:10,487,830, G>A. VCF-style: chr18-10487830-G-A. GRCh37 (hg19) VCF-style: chr18-10487827-G-A.
Other names: short protein forms G446E.
Identifiers: ClinVar variation 1962604 (VCV001962604.5), dbSNP rs749401498, ClinGen allele CA8891284.
Genomic context (GRCh38, chr18:10,487,830, plus strand): 5'-AAATGGAACAGGATGCCCGGGGGCGCTATCTGCTGTTCAACGGTCAGAGGCCCAGCGACG[G>A]GTCCAGCCCAGACAGGCCAGAGAAGAGAGCCACGTCCTACCAGATGCCCTTGGTCCAGTG-3'
Protein context (NP_694545.1, residues 436-456): LLFNGQRPSD[Gly446Glu]SSPDRPEKRA